The following is an entry in ClinVar:

ClinVar aggregate classification (germline): Uncertain significance. Review status: criteria provided, multiple submitters, no conflicts (2 of 4 stars). 2 submissions from 2 submitters: Uncertain significance (2). Last evaluated 2023-12-13.

Conditions:
Inborn genetic diseases. Identifiers: MedGen C0950123, MeSH D030342.

Allele frequency attached by ClinVar (database versions not stated): gnomAD exomes 0.00001; ExAC 0.00002; gnomAD 0.00002; TOPMed 0.00003; ESP Exome Variant Server 0.00017.
gnomAD v4.1: 20 of 1,583,934 alleles (0.0013%); highest among the groups gnomAD compares: Non-Finnish European, 0.0016%; no homozygotes.

Submissions (2):

Ambry Genetics
Classification: Uncertain significance for Inborn genetic diseases. Last evaluated: 2023-12-13. Review status: criteria provided, single submitter. Criteria: Ambry Variant Classification Scheme 2023. Collection method: clinical testing. Allele origin: germline.

GeneDx
Classification: Uncertain significance. Last evaluated: 2023-11-13. Review status: criteria provided, single submitter. Criteria: GeneDx Variant Classification Process June 2021. Collection method: clinical testing. Allele origin: germline. Affected: yes.
Comment: Not observed at significant frequency in large population cohorts (gnomAD); In silico analysis supports that this missense variant does not alter protein structure/function; Has not been previously published as pathogenic or benign to our knowledge

NM_001378609.3(OTOGL):c.1875A>G (p.Ile625Met)

Gene: OTOGL (otogelin like; plus strand). Cytogenetic location: 12q21.31.
Variant type: single nucleotide variant.
Coding change: c.1875A>G on transcript NM_001378609.3 (MANE Select); coding-DNA position 1875, A replaced by G.
Protein change: p.Ile625Met; replaces isoleucine 625 with methionine.
Molecular consequence: missense variant.
Genome position (GRCh38, 1-based): chr12:80,257,988, A>G. VCF-style: chr12-80257988-A-G. GRCh37 (hg19) VCF-style: chr12-80651768-A-G.
Other names: c.1875A>G, p.Ile625Met (NM_001368062.3, NM_001378610.3, NM_173591.7); short protein forms I625M.
Identifiers: ClinVar variation 3207245 (VCV003207245.2), dbSNP rs371346137, ClinGen allele CA6700590.